The following is an entry in ClinVar:

NM_000260.4(MYO7A):c.4950C>T (p.Asn1650=)

Gene: MYO7A (myosin VIIA; plus strand). Cytogenetic location: 11q13.5.
Variant type: single nucleotide variant.
Coding change: c.4950C>T on transcript NM_000260.4 (MANE Select); coding-DNA position 4950, C replaced by T.
Protein change: p.Asn1650=; no amino-acid change (asparagine 1650 retained).
Molecular consequence: synonymous variant.
Genome position (GRCh38, 1-based): chr11:77,201,545, C>T. VCF-style: chr11-77201545-C-T. GRCh37 (hg19) VCF-style: chr11-76912590-C-T.
Other names: c.4836C>T, p.Asn1612= (NM_001127180.2); c.4803C>T, p.Asn1601= (NM_001369365.1).
Identifiers: ClinVar variation 43265 (VCV000043265.21), dbSNP rs80033599, ClinGen allele CA132361.

ClinVar aggregate classification (germline): Benign/Likely benign. Review status: criteria provided, multiple submitters, no conflicts (2 of 4 stars). 8 submissions from 6 submitters: Benign (5); Likely benign (2). 1 of the submissions does not count toward it. Last evaluated 2026-02-02.

Conditions:
Usher syndrome type 1 (USH1). Also called: RETINITIS PIGMENTOSA AND CONGENITAL DEAFNESS. Identifiers: Orphanet 231169, Orphanet 886, MedGen C1568247, MONDO:0010168, OMIM 276900.
Usher syndrome type 1B (USH1B). Also called: Usher syndrome type IB. Identifiers: MedGen C1848638, MONDO:0700087.
Autosomal recessive nonsyndromic hearing loss 2. Also called: DEAFNESS, AUTOSOMAL RECESSIVE 2; NEUROSENSORY NONSYNDROMIC RECESSIVE DEAFNESS 2. Identifiers: Orphanet 90636, MedGen C1838701, MONDO:0010807, OMIM 600060.
Autosomal dominant nonsyndromic hearing loss 11. Identifiers: Orphanet 90635, MedGen C1832475, MONDO:0011032, OMIM 601317.

Allele frequency attached by ClinVar (database versions not stated): ExAC 0.00533; gnomAD 0.01775 and 0.01906; 1000 Genomes Project 0.02017; TOPMed 0.02029; ESP Exome Variant Server 0.02090; 1000 Genomes Project 30x 0.02092; gnomAD exomes 0.00451.
gnomAD v4.1: 5,372 of 1,613,862 alleles (0.33%); highest among the groups gnomAD compares: African/African-American, 6.3%; 153 homozygotes.

Submissions (8):

Labcorp Genetics (formerly Invitae), Labcorp
Classification: Benign. Last evaluated: 2026-02-02. Review status: criteria provided, single submitter. Criteria: Invitae Variant Classification Sherloc (09022015). Collection method: clinical testing. Allele origin: germline.

Illumina Laboratory Services, Illumina
Classification: Likely benign for Autosomal recessive nonsyndromic hearing loss 2. Last evaluated: 2018-01-12. Review status: criteria provided, single submitter. Criteria: ICSL Variant Classification Criteria 13 December 2019. Collection method: clinical testing. Allele origin: germline.
Comment: This variant was observed in the ICSL laboratory as part of a predisposition screen in an ostensibly healthy population. It had not been previously curated by ICSL or reported in the Human Gene Mutation Database (HGMD: prior to June 1st, 2018), and was therefore a candidate for classification through an automated scoring system. Utilizing variant allele frequency, disease prevalence and penetrance estimates, and inheritance mode, an automated score was calculated to assess if this variant is too frequent to cause the disease. Based on the score and internal cut-off values, a variant classified as likely benign is not then subjected to further curation. The score for this variant resulted in a classification of likely benign for this disease.

Illumina Laboratory Services, Illumina
Classification: Benign for Usher syndrome type 1. Last evaluated: 2018-01-12. Review status: criteria provided, single submitter. Criteria: ICSL Variant Classification Criteria 13 December 2019. Collection method: clinical testing. Allele origin: germline.
Comment: This variant was observed in the ICSL laboratory as part of a predisposition screen in an ostensibly healthy population. It had not been previously curated by ICSL or reported in the Human Gene Mutation Database (HGMD: prior to June 1st, 2018), and was therefore a candidate for classification through an automated scoring system. Utilizing variant allele frequency, disease prevalence and penetrance estimates, and inheritance mode, an automated score was calculated to assess if this variant is too frequent to cause the disease. Based on the score and internal cut-off values, a variant classified as benign is not then subjected to further curation. The score for this variant resulted in a classification of benign for this disease.

Illumina Laboratory Services, Illumina
Classification: Benign for Autosomal dominant nonsyndromic hearing loss 11. Last evaluated: 2018-01-12. Review status: criteria provided, single submitter. Criteria: ICSL Variant Classification Criteria 13 December 2019. Collection method: clinical testing. Allele origin: germline.
Comment: the same text as in the submission from Illumina Laboratory Services, Illumina above.

GeneDx
Classification: Benign. Last evaluated: 2017-12-18. Review status: criteria provided, single submitter. Criteria: GeneDx Variant Classification (06012015). Collection method: clinical testing. Allele origin: germline. Affected: yes.
Comment: This variant is considered likely benign or benign based on one or more of the following criteria: it is a conservative change, it occurs at a poorly conserved position in the protein, it is predicted to be benign by multiple in silico algorithms, and/or has population frequency not consistent with disease.

Laboratory for Molecular Medicine, Mass General Brigham Personalized Medicine
Classification: Benign. Last evaluated: 2011-06-21. Review status: criteria provided, single submitter. Criteria: LMM Criteria. Collection method: clinical testing. Allele origin: germline. Observed: 21 variant alleles.
Comment: Asn1650Asn in exon 36 of MYO7A: This variant is predicted to be benign based on its high frequency in the general population (dbSNP rs80033599).

Breakthrough Genomics
Classification: Likely benign. Review status: criteria provided, single submitter. Criteria: ACMG Guidelines, 2015. Collection method: not provided. Allele origin: germline. Inheritance: Autosomal recessive inheritance. Affected: yes.

Natera, Inc.
Classification: Benign for Usher syndrome type 1B. Last evaluated: 2020-09-16. Review status: no assertion criteria provided. Collection method: clinical testing. Allele origin: germline. Not counted in ClinVar's aggregate classification.

Literature cited by the submitters: PubMed 20146813 (cited by Laboratory for Molecular Medicine, Mass General Brigham Personalized Medicine).